The following is an entry in ClinVar:

NM_000091.5(COL4A3):c.324+73C>T

Genes: MFF-DT (MFF divergent transcript; minus strand), COL4A3 (collagen type IV alpha 3 chain; plus strand). Cytogenetic location: 2q36.3.
Variant type: single nucleotide variant.
Coding change: c.324+73C>T on transcript NM_000091.5 (MANE Select); 73 bases into the intron after coding-DNA position 324, C replaced by T.
Molecular consequence: intron variant.
Genome position (GRCh38, 1-based): chr2:227,245,068, C>T. VCF-style: chr2-227245068-C-T. GRCh37 (hg19) VCF-style: chr2-228109784-C-T.
Identifiers: ClinVar variation 1172950 (VCV001172950.6), dbSNP rs6750210, ClinGen allele CA11216807.

ClinVar aggregate classification (germline): Benign. Review status: criteria provided, multiple submitters, no conflicts (2 of 4 stars). 4 submissions from 4 submitters: Benign (4). Last evaluated 2024-07-15.

Conditions:
Autosomal recessive Alport syndrome (ATS2). Also called: COL4A4 Alport Syndrome and Thin Basement Membrane Nephropathy; COL4A3-Related Nephropathy; Alport syndrome type 2; ALPORT SYNDROME 2, AUTOSOMAL RECESSIVE. Identifiers: Orphanet 63, Orphanet 88919, MedGen C4746745, MONDO:0008762, OMIM 203780.

Allele frequency attached by ClinVar (database versions not stated): gnomAD 0.72318 and 0.73131; TOPMed 0.72358; ESP Exome Variant Server 0.73804; 1000 Genomes Project 30x 0.74250; 1000 Genomes Project 0.74800.
gnomAD v4.1: 1,146,055 of 1,424,846 alleles (80%); highest among the groups gnomAD compares: East Asian, 89%; 464,870 homozygotes.

Submissions (4):

Unidad de Genómica Garrahan, Hospital de Pediatría Garrahan
Classification: Benign. Last evaluated: 2024-07-15. Review status: criteria provided, single submitter. Criteria: ACMG Guidelines, 2015. Collection method: clinical testing. Allele origin: germline. Affected: no. Observed: 89 variant alleles.
Comment: This variant is classified as Benign based on local population frequency. This variant was detected in 96% of patients studied in a panel designed for Epileptic and Developmental Encephalopathy and Progressive Myoclonus Epilepsy. Number of patients: 89. Only high quality variants are reported.

Genome-Nilou Lab
Classification: Benign for Autosomal recessive Alport syndrome. Last evaluated: 2021-06-10. Review status: criteria provided, single submitter. Criteria: ACMG Guidelines, 2015. Collection method: clinical testing. Allele origin: germline. Affected: no.

GeneDx
Classification: Benign. Last evaluated: 2018-06-22. Review status: criteria provided, single submitter. Criteria: GeneDx Variant Classification Process June 2021. Collection method: clinical testing. Allele origin: germline. Affected: yes.

Breakthrough Genomics
Classification: Benign. Review status: criteria provided, single submitter. Criteria: ACMG Guidelines, 2015. Collection method: not provided. Allele origin: germline. Inheritance: Autosomal recessive inheritance. Affected: yes.